The following is an entry in ClinVar:

NM_001382273.1(TNK2):c.2555G>T (p.Gly852Val)

Gene: TNK2 (tyrosine kinase non receptor 2; minus strand). Cytogenetic location: 3q29.
Variant type: single nucleotide variant.
Coding change: c.2555G>T on transcript NM_001382273.1 (MANE Select); coding-DNA position 2555, G replaced by T.
Protein change: p.Gly852Val; replaces glycine 852 with valine.
Molecular consequence: missense variant. On other transcripts: non-coding transcript variant (15).
Genome position (GRCh38, 1-based): chr3:195,867,743, C>A on the plus strand (G>T on the coding strand, the complement: TNK2 is on the minus strand). VCF-style: chr3-195867743-C-A. GRCh37 (hg19) VCF-style: chr3-195594614-C-A.
Other names: c.2627G>T, p.Gly876Val (NM_001010938.2, NM_001382272.1); c.2606G>T, p.Gly869Val (NM_001308046.2, NM_001382271.1); c.2555G>T, p.Gly852Val (NM_001382274.1, NM_001387716.1, NM_001387717.1 and 1 more transcripts); c.2651G>T, p.Gly884Val (NM_001382275.1, NM_001387707.1); c.2510G>T, p.Gly837Val (NM_001386164.1, NM_001387709.1, NM_001387710.1 and 8 more transcripts); c.2582G>T, p.Gly861Val (NM_001387708.1, NM_001387715.1); short protein forms G852V, G861V, G876V, G837V, G884V, G869V.
Identifiers: ClinVar variation 2068068 (VCV002068068.4), dbSNP rs762489031, ClinGen allele CA2775889.

ClinVar aggregate classification (germline): Uncertain significance (1 of 4 stars; one submission).

gnomAD v4.1: 18 of 1,598,936 alleles (0.0011%); highest among the groups gnomAD compares: Middle Eastern, 0.033%; no homozygotes.

Submission:

Labcorp Genetics (formerly Invitae), Labcorp
Classification: Uncertain significance. Last evaluated: 2022-03-26. Review status: criteria provided, single submitter. Criteria: Invitae Variant Classification Sherloc (09022015). Collection method: clinical testing. Allele origin: germline.
Comment: This sequence change replaces glycine, which is neutral and non-polar, with valine, which is neutral and non-polar, at codon 915 of the TNK2 protein (p.Gly915Val). This variant is present in population databases (rs762489031, gnomAD 0.01%). This variant has not been reported in the literature in individuals affected with TNK2-related conditions. Algorithms developed to predict the effect of missense changes on protein structure and function are either unavailable or do not agree on the potential impact of this missense change (SIFT: "Tolerated"; PolyPhen-2: "Probably Damaging"; Align-GVGD: "Class C0"). In summary, the available evidence is currently insufficient to determine the role of this variant in disease. Therefore, it has been classified as a Variant of Uncertain Significance.